The following is an entry in ClinVar:

NM_000159.4(GCDH):c.1209C>G (p.His403Gln)

Gene: GCDH (glutaryl-CoA dehydrogenase; plus strand). Cytogenetic location: 19p13.13.
Variant type: single nucleotide variant.
Coding change: c.1209C>G on transcript NM_000159.4 (MANE Select); coding-DNA position 1209, C replaced by G.
Protein change: p.His403Gln; replaces histidine 403 with glutamine.
Molecular consequence: missense variant. On other transcripts: non-coding transcript variant (2).
Genome position (GRCh38, 1-based): chr19:12,897,829, C>G. VCF-style: chr19-12897829-C-G. GRCh37 (hg19) VCF-style: chr19-13008643-C-G.
Other names: c.1209C>G, p.His403Gln (NM_013976.5); short protein forms H403Q.
Identifiers: ClinVar variation 1471277 (VCV001471277.8), dbSNP rs747746632, ClinGen allele CA404321795.
Genomic context (GRCh38, chr19:12,897,829, plus strand): 5'-CCAGGCCCGAGACATGCTGGGGGGGAATGGGATTTCTGACGAGTATCACGTGATCCGGCA[C>G]GCCATGAACCTGGAGGCCGTGAACACCTACGAAGGTAGGAGCTGGACCTCAGAGGGCTCA-3'
Protein context (NP_000150.1, residues 393-413): GISDEYHVIR[His403Gln]AMNLEAVNTY

ClinVar aggregate classification (germline): Likely pathogenic (1 of 4 stars; one submission).

Conditions:
Glutaric aciduria, type 1. Also called: Glutaric Acidemia Type 1; Glutaric acidemia type I; Glutaricacidemia Type 1; Glutaryl-CoA dehydrogenase deficiency; GA I; Glutaricaciduria, type I. Identifiers: Orphanet 25, MedGen C0268595, MONDO:0009281, OMIM 231670.

gnomAD v4.1: 1 of 1,613,942 alleles (0.000062%); highest among the groups gnomAD compares: Non-Finnish European, 0.000085%; no homozygotes.

Submission:

Labcorp Genetics (formerly Invitae), Labcorp
Classification: Likely pathogenic for Glutaric aciduria, type 1. Last evaluated: 2021-07-03. Review status: criteria provided, single submitter. Criteria: Invitae Variant Classification Sherloc (09022015). Collection method: clinical testing. Allele origin: germline.
Comment: This variant disrupts the p.His403 amino acid residue in GCDH. Other variant(s) that disrupt this residue have been determined to be pathogenic (PMID: 24332224, 9711871). This suggests that this residue is clinically significant, and that variants that disrupt this residue are likely to be disease-causing. This sequence change replaces histidine with glutamine at codon 403 of the GCDH protein (p.His403Gln). The histidine residue is highly conserved and there is a small physicochemical difference between histidine and glutamine. This variant is not present in population databases (ExAC no frequency). This variant has not been reported in the literature in individuals with GCDH-related conditions. Advanced modeling of protein sequence and biophysical properties (such as structural, functional, and spatial information, amino acid conservation, physicochemical variation, residue mobility, and thermodynamic stability) performed at Invitae indicates that this missense variant is expected to disrupt GCDH protein function. Algorithms developed to predict the effect of sequence changes on RNA splicing suggest that this variant may create or strengthen a splice site, but this prediction has not been confirmed by published transcriptional studies. In summary, the currently available evidence indicates that the variant is pathogenic, but additional data are needed to prove that conclusively. Therefore, this variant has been classified as Likely Pathogenic.

Literature cited by the submitters: PubMed 24332224; PubMed 9711871.